The following is an entry in ClinVar:

NM_000038.6(APC):c.4834C>A (p.Leu1612Met)

Gene: APC (APC regulator of Wnt signaling pathway; plus strand). Cytogenetic location: 5q22.2.
Variant type: single nucleotide variant.
Coding change: c.4834C>A on transcript NM_000038.6 (MANE Select); coding-DNA position 4834, C replaced by A.
Protein change: p.Leu1612Met; replaces leucine 1612 with methionine.
Molecular consequence: missense variant.
Genome position (GRCh38, 1-based): chr5:112,840,428, C>A. VCF-style: chr5-112840428-C-A. GRCh37 (hg19) VCF-style: chr5-112176125-C-A.
Other names: c.4834C>A, p.Leu1612Met (NM_001127510.3, NM_001354895.2); c.4780C>A, p.Leu1594Met (NM_001127511.3); c.4888C>A, p.Leu1630Met (NM_001354896.2); c.4864C>A, p.Leu1622Met (NM_001354897.2); c.4759C>A, p.Leu1587Met (NM_001354898.2); c.4750C>A, p.Leu1584Met (NM_001354899.2); c.4711C>A, p.Leu1571Met (NM_001354900.2); c.4657C>A, p.Leu1553Met (NM_001354901.2); and 5 more; short protein forms L1486M, L1594M, L1521M, L1553M, L1587M, L1630M, L1329M, L1511M.
Identifiers: ClinVar variation 947238 (VCV000947238.11), dbSNP rs1765779143, ClinGen allele CA16031923.

ClinVar aggregate classification (germline): Uncertain significance (1 of 4 stars; one submission).

Conditions:
Familial adenomatous polyposis 1 (FAP1). Also called: FAMILIAL ADENOMATOUS POLYPOSIS 1, ATTENUATED; POLYPOSIS, ADENOMATOUS INTESTINAL. Identifiers: MedGen C2713442, MONDO:0021056, OMIM 175100. Disease mechanism: loss of function.

Submission:

Labcorp Genetics (formerly Invitae), Labcorp
Classification: Uncertain significance for Familial adenomatous polyposis 1. Last evaluated: 2019-05-18. Review status: criteria provided, single submitter. Criteria: Invitae Variant Classification Sherloc (09022015). Collection method: clinical testing. Allele origin: germline.
Comment: In summary, the available evidence is currently insufficient to determine the role of this variant in disease. Therefore, it has been classified as a Variant of Uncertain Significance. Algorithms developed to predict the effect of missense changes on protein structure and function are either unavailable or do not agree on the potential impact of this missense change (SIFT: "Tolerated"; PolyPhen-2: "Probably Damaging"; Align-GVGD: "Class C0"). This variant has not been reported in the literature in individuals with APC-related conditions. This variant is not present in population databases (ExAC no frequency). This sequence change replaces leucine with methionine at codon 1612 of the APC protein (p.Leu1612Met). The leucine residue is highly conserved and there is a small physicochemical difference between leucine and methionine.